The following is an entry in ClinVar:

NM_000057.4(BLM):c.4232A>T (p.Lys1411Met)

Gene: BLM (BLM RecQ like helicase; plus strand). Cytogenetic location: 15q26.1.
Variant type: single nucleotide variant.
Coding change: c.4232A>T on transcript NM_000057.4 (MANE Select); coding-DNA position 4232, A replaced by T.
Protein change: p.Lys1411Met; replaces lysine 1411 with methionine.
Molecular consequence: missense variant.
Genome position (GRCh38, 1-based): chr15:90,815,257, A>T. VCF-style: chr15-90815257-A-T. GRCh37 (hg19) VCF-style: chr15-91358487-A-T.
Other names: c.4232A>T, p.Lys1411Met (NM_001287246.2); c.3839A>T, p.Lys1280Met (NM_001287247.2); c.3107A>T, p.Lys1036Met (NM_001287248.2); short protein forms K1036M, K1280M, K1411M.
Identifiers: ClinVar variation 1437962 (VCV001437962.8), dbSNP rs1897532698, ClinGen allele CA393853260.
Genomic context (GRCh38, chr15:90,815,257, plus strand): 5'-GAGCCAATAGCAAATTGGGGATTATGGCTCCACCGAAGCCTATAAATAGACCGTTTCTTA[A>T]GCCTTCATATGCATTCTCATAACAACCGAATCTCAATGTACATAGACCCTCTTTCTTGTT-3'
Protein context (NP_000048.1, residues 1401-1417): PPKPINRPFL[Lys1411Met]PSYAFS

ClinVar aggregate classification (germline): Uncertain significance. Review status: criteria provided, multiple submitters, no conflicts (2 of 4 stars). 2 submissions from 2 submitters: Uncertain significance (2). Last evaluated 2025-05-18.

Conditions:
Hereditary cancer-predisposing syndrome. Also called: Neoplastic Syndromes, Hereditary; Hereditary Cancer Syndrome; Hereditary neoplastic syndrome; Tumor predisposition. Identifiers: Orphanet 140162, MedGen C0027672, MeSH D009386, MONDO:0015356.
Bloom syndrome (BLM). Also called: Bloom-Torre-Machacek syndrome. Identifiers: Orphanet 125, MedGen C0005859, MONDO:0008876, OMIM 210900.

Submissions (2):

Labcorp Genetics (formerly Invitae), Labcorp
Classification: Uncertain significance for Bloom syndrome. Last evaluated: 2025-05-18. Review status: criteria provided, single submitter. Criteria: Invitae Variant Classification Sherloc (09022015). Collection method: clinical testing. Allele origin: germline.
Comment: This sequence change replaces lysine, which is basic and polar, with methionine, which is neutral and non-polar, at codon 1411 of the BLM protein (p.Lys1411Met). This variant is not present in population databases (gnomAD no frequency). This variant has not been reported in the literature in individuals affected with BLM-related conditions. ClinVar contains an entry for this variant (Variation ID: 1437962). An algorithm developed to predict the effect of missense changes on protein structure and function (PolyPhen-2) suggests that this variant is likely to be disruptive. In summary, the available evidence is currently insufficient to determine the role of this variant in disease. Therefore, it has been classified as a Variant of Uncertain Significance.

Ambry Genetics
Classification: Uncertain significance for Hereditary cancer-predisposing syndrome. Last evaluated: 2025-01-17. Review status: criteria provided, single submitter. Criteria: Ambry Variant Classification Scheme 2023. Collection method: clinical testing. Allele origin: germline.
Comment: The p.K1411M variant (also known as c.4232A>T), located in coding exon 21 of the BLM gene, results from an A to T substitution at nucleotide position 4232. The lysine at codon 1411 is replaced by methionine, an amino acid with similar properties. This amino acid position is conserved. In addition, this alteration is predicted to be tolerated by in silico analysis. Since supporting evidence is limited at this time, the clinical significance of this alteration remains unclear.